The following is an entry in ClinVar:

ClinVar aggregate classification (germline): Uncertain significance (1 of 4 stars; one submission).

Conditions:
Joubert syndrome 21 (JBTS21). Identifiers: MedGen C3810212, MONDO:0014288, OMIM 615636.

Allele frequency attached by ClinVar (database versions not stated): gnomAD exomes below 0.00001.
gnomAD v4.1: 2 of 1,609,970 alleles (0.00012%); highest among the groups gnomAD compares: Non-Finnish European, 0.00017%; no homozygotes.

Submission:

Labcorp Genetics (formerly Invitae), Labcorp
Classification: Uncertain significance for Joubert syndrome 21. Last evaluated: 2021-05-18. Review status: criteria provided, single submitter. Criteria: Invitae Variant Classification Sherloc (09022015). Collection method: clinical testing. Allele origin: germline.
Comment: Algorithms developed to predict the effect of sequence changes on RNA splicing suggest that this variant may disrupt the consensus splice site, but this prediction has not been confirmed by published transcriptional studies. This variant has not been reported in the literature in individuals with CSPP1-related conditions. This variant is not present in population databases (ExAC no frequency). This sequence change affects codon 984 of the CSPP1 mRNA. It is a 'silent' change, meaning that it does not change the encoded amino acid sequence of the CSPP1 protein. In summary, the available evidence is currently insufficient to determine the role of this variant in disease. Therefore, it has been classified as a Variant of Uncertain Significance.

NM_001382391.1(CSPP1):c.2967A>G (p.Arg989=)

Gene: CSPP1 (centrosome and spindle pole associated protein 1; plus strand). Cytogenetic location: 8q13.2.
Variant type: single nucleotide variant.
Coding change: c.2967A>G on transcript NM_001382391.1 (MANE Select); coding-DNA position 2967, A replaced by G.
Protein change: p.Arg989=; no amino-acid change (arginine 989 retained).
Molecular consequence: synonymous variant.
Genome position (GRCh38, 1-based): chr8:67,172,554, A>G. VCF-style: chr8-67172554-A-G. GRCh37 (hg19) VCF-style: chr8-68084789-A-G.
Other names: c.1917A>G, p.Arg639= (NM_001291339.2); c.2886A>G, p.Arg962= (NM_001363131.2); c.2772A>G, p.Arg924= (NM_001363132.2); c.2691A>G, p.Arg897= (NM_001363133.2); c.3033A>G, p.Arg1011= (NM_001364869.1); c.2853A>G, p.Arg951= (NM_001364870.1); c.2952A>G, p.Arg984= (NM_024790.7).
Identifiers: ClinVar variation 1355007 (VCV001355007.8), dbSNP rs2129567311, ClinGen allele CA461297980.